The following is an entry in ClinVar:

ClinVar aggregate classification (germline): Likely benign (0 of 4 stars; one submission).

Conditions:
FOXP1-related disorder. Also called: FOXP1-related condition.

Allele frequency attached by ClinVar (database versions not stated): ExAC 0.00004.
gnomAD v4.1: 44 of 1,598,262 alleles (0.0028%); highest among the groups gnomAD compares: Admixed American, 0.05%; 1 homozygote.

Submission:

PreventionGenetics, part of Exact Sciences
Classification: Likely benign for FOXP1-related condition. Last evaluated: 2023-02-15. Review status: no assertion criteria provided. Collection method: clinical testing. Allele origin: germline.
Comment: This variant is classified as likely benign based on ACMG/AMP sequence variant interpretation guidelines (Richards et al. 2015 PMID: 25741868, with internal and published modifications).

NM_001349338.3(FOXP1):c.181-17892G>A

Gene: FOXP1 (forkhead box P1; minus strand). Cytogenetic location: 3p13.
Variant type: single nucleotide variant.
Coding change: c.181-17892G>A on transcript NM_001349338.3 (MANE Select); 17892 bases into the intron before coding-DNA position 181, G replaced by A.
Molecular consequence: intron variant. On other transcripts: 5 prime UTR variant (3).
Genome position (GRCh38, 1-based): chr3:71,130,529, C>T on the plus strand (G>A on the coding strand, the complement: FOXP1 is on the minus strand). VCF-style: chr3-71130529-C-T. GRCh37 (hg19) VCF-style: chr3-71179680-C-T.
Other names: c.-152G>A (NM_001244815.2, NM_001349337.2, NM_001370548.1); c.181-17892G>A (NM_001244810.2, NM_032682.6, NM_001349340.3 and 5 more transcripts); c.-121+1562G>A (NM_001349343.3, NM_001349342.3).
Identifiers: ClinVar variation 3052264 (VCV003052264.2), dbSNP rs773102933, ClinGen allele CA2491331.